The following is an entry in ClinVar:

NM_001199799.2(ILDR1):c.1253G>A (p.Arg418Lys)

Gene: ILDR1 (immunoglobulin like domain containing receptor 1; minus strand). Cytogenetic location: 3q13.33.
Variant type: single nucleotide variant.
Coding change: c.1253G>A on transcript NM_001199799.2 (MANE Select); coding-DNA position 1253, G replaced by A.
Protein change: p.Arg418Lys; replaces arginine 418 with lysine.
Molecular consequence: missense variant.
Genome position (GRCh38, 1-based): chr3:121,993,496, C>T on the plus strand (G>A on the coding strand, the complement: ILDR1 is on the minus strand). VCF-style: chr3-121993496-C-T. GRCh37 (hg19) VCF-style: chr3-121712343-C-T.
Other names: c.986G>A, p.Arg329Lys (NM_001199800.2); c.1121G>A, p.Arg374Lys (NM_175924.4); short protein forms R329K, R374K, R418K.
Identifiers: ClinVar variation 2105060 (VCV002105060.4), dbSNP rs2472801327, ClinGen allele CA354143225.
Genomic context (GRCh38, chr3:121,993,496, plus strand): 5'-GGAGGGTGGCTCGGCCGCCAGCGTGCCTCACTGGATGAGGGGACATCGCTTAGGCTGTCC[C>T]TGTCTGACCAGTGTATGGGTGACCCATTCAGCCTAGAGCTACGGTGCCTTCCACTCCACG-3'
Protein context (NP_001186728.1, residues 408-428): LNGSPIHWSD[Arg418Lys]DSLSDVPSSS

ClinVar aggregate classification (germline): Uncertain significance (1 of 4 stars; one submission).

Allele frequency attached by ClinVar (database versions not stated): gnomAD exomes below 0.00001.
gnomAD v4.1: 2 of 1,614,260 alleles (0.00012%); highest among the groups gnomAD compares: Non-Finnish European, 0.00017%; no homozygotes.

Submission:

Labcorp Genetics (formerly Invitae), Labcorp
Classification: Uncertain significance. Last evaluated: 2022-03-04. Review status: criteria provided, single submitter. Criteria: Invitae Variant Classification Sherloc (09022015). Collection method: clinical testing. Allele origin: germline.
Comment: In summary, the available evidence is currently insufficient to determine the role of this variant in disease. Therefore, it has been classified as a Variant of Uncertain Significance. Algorithms developed to predict the effect of missense changes on protein structure and function (SIFT, PolyPhen-2, Align-GVGD) all suggest that this variant is likely to be tolerated. This variant has not been reported in the literature in individuals affected with ILDR1-related conditions. This variant is not present in population databases (gnomAD no frequency). This sequence change replaces arginine, which is basic and polar, with lysine, which is basic and polar, at codon 418 of the ILDR1 protein (p.Arg418Lys).